The following is an entry in ClinVar:

NM_001081.4(CUBN):c.4468A>T (p.Thr1490Ser)

Gene: CUBN (cubilin; minus strand). Cytogenetic location: 10p13.
Variant type: single nucleotide variant.
Coding change: c.4468A>T on transcript NM_001081.4 (MANE Select); coding-DNA position 4468, A replaced by T.
Protein change: p.Thr1490Ser; replaces threonine 1490 with serine.
Molecular consequence: missense variant.
Genome position (GRCh38, 1-based): chr10:16,984,162, T>A on the plus strand (A>T on the coding strand, the complement: CUBN is on the minus strand). VCF-style: chr10-16984162-T-A. GRCh37 (hg19) VCF-style: chr10-17026161-T-A.
Other names: short protein forms T1490S.
Identifiers: ClinVar variation 943074 (VCV000943074.9), dbSNP rs2131700976, ClinGen allele CA376144151.
Genomic context (GRCh38, chr10:16,984,162, plus strand): 5'-CACCTCCAGTGACTGCTTGCCATGACGCATTGAAGCCTCTCCCATTTATGGACAAGTCGG[T>A]CTTGAATCGAATTGCTAGCTCATTTCCAGTGCTGGAGACCTGCATGGGGTTCTCAGGTGA-3'
Protein context (NP_001072.2, residues 1480-1500): TGNELAIRFK[Thr1490Ser]DLSINGRGFN

ClinVar aggregate classification (germline): Uncertain significance (1 of 4 stars; one submission).

Conditions:
Imerslund-Grasbeck syndrome. Also called: ENTEROCYTE COBALAMIN MALABSORPTION; ENTEROCYTE INTRINSIC FACTOR RECEPTOR, DEFECT OF; Megaloblastic anemia due to inborn errors of metabolism; Imerslund-Gräsbeck syndrome; PERNICIOUS ANEMIA, JUVENILE, DUE TO SELECTIVE INTESTINAL MALABSORPTION OF VITAMIN B12, WITH PROTEINURIA. Identifiers: Orphanet 35858, MedGen C4551825, MONDO:0009853.

Allele frequency attached by ClinVar (database versions not stated): gnomAD exomes below 0.00001.
gnomAD v4.1: 2 of 1,614,148 alleles (0.00012%); highest among the groups gnomAD compares: Admixed American, 0.0017%; no homozygotes.

Submission:

Labcorp Genetics (formerly Invitae), Labcorp
Classification: Uncertain significance for Imerslund-Grasbeck syndrome. Last evaluated: 2021-07-13. Review status: criteria provided, single submitter. Criteria: Invitae Variant Classification Sherloc (09022015). Collection method: clinical testing. Allele origin: germline.
Comment: In summary, the available evidence is currently insufficient to determine the role of this variant in disease. Therefore, it has been classified as a Variant of Uncertain Significance. Algorithms developed to predict the effect of missense changes on protein structure and function are either unavailable or do not agree on the potential impact of this missense change (SIFT: "Tolerated"; PolyPhen-2: "Probably Damaging"; Align-GVGD: "Class C0"). This variant has not been reported in the literature in individuals with CUBN-related conditions. This variant is not present in population databases (ExAC no frequency). This sequence change replaces threonine with serine at codon 1490 of the CUBN protein (p.Thr1490Ser). The threonine residue is moderately conserved and there is a small physicochemical difference between threonine and serine.